The following is an entry in ClinVar:

NM_001365951.3(KIF1B):c.1921C>T (p.Arg641Ter)

Gene: KIF1B (kinesin family member 1B; plus strand). Cytogenetic location: 1p36.22.
Variant type: single nucleotide variant.
Coding change: c.1921C>T on transcript NM_001365951.3 (MANE Select); coding-DNA position 1921, C replaced by T.
Protein change: p.Arg641Ter; replaces arginine 641 with a stop codon.
Molecular consequence: nonsense.
Genome position (GRCh38, 1-based): chr1:10,296,956, C>T. VCF-style: chr1-10296956-C-T. GRCh37 (hg19) VCF-style: chr1-10357014-C-T.
Other names: c.1921C>T, p.Arg641Ter (NM_001365952.1); c.1783C>T, p.Arg595Ter (NM_001365953.1, NM_015074.3, NM_183416.4); short protein forms R595*, R641*.
Identifiers: ClinVar variation 999075 (VCV000999075.9), dbSNP rs1650296802, ClinGen allele CA338316774.

ClinVar aggregate classification (germline): Uncertain significance. Review status: criteria provided, multiple submitters, no conflicts (2 of 4 stars). 2 submissions from 2 submitters: Uncertain significance (2). Last evaluated 2024-02-13.

Conditions:
Charcot-Marie-Tooth disease type 2. Also called: Charcot-Marie-Tooth type 2. Identifiers: Orphanet 64746, MedGen C0270914, MONDO:0018993.

Submissions (2):

Ambry Genetics
Classification: Uncertain significance. Last evaluated: 2024-02-13. Review status: criteria provided, single submitter. Criteria: Ambry Variant Classification Scheme 2023. Collection method: clinical testing. Allele origin: germline.
Comment: The p.R595* variant (also known as c.1783C>T), located in coding exon 18 of the KIF1B gene, results from a C to T substitution at nucleotide position 1783. This changes the amino acid from an arginine to a stop codon within coding exon 18. This alteration is expected to result in loss of function by premature protein truncation or nonsense-mediated mRNA decay. The evidence for this gene-disease relationship is limited; therefore, the clinical significance of this alteration is unclear.

Labcorp Genetics (formerly Invitae), Labcorp
Classification: Uncertain significance for Charcot-Marie-Tooth disease type 2. Last evaluated: 2022-09-19. Review status: criteria provided, single submitter. Criteria: Invitae Variant Classification Sherloc (09022015). Collection method: clinical testing. Allele origin: germline.
Comment: In summary, the available evidence is currently insufficient to determine the role of this variant in disease. Therefore, it has been classified as a Variant of Uncertain Significance. ClinVar contains an entry for this variant (Variation ID: 999075). This variant has not been reported in the literature in individuals affected with KIF1B-related conditions. This variant is not present in population databases (gnomAD no frequency). This sequence change creates a premature translational stop signal (p.Arg595*) in the KIF1B gene. It is expected to result in an absent or disrupted protein product. However, the current clinical and genetic evidence is not sufficient to establish whether loss-of-function variants in KIF1B cause disease.